The following is an entry in ClinVar:

ClinVar aggregate classification (germline): Uncertain significance. Review status: criteria provided, multiple submitters, no conflicts (2 of 4 stars). 3 submissions from 3 submitters: Uncertain significance (3). Last evaluated 2025-02-01.

Conditions:
Ehlers-Danlos syndrome (EDS). Identifiers: Orphanet 98249, MedGen C0013720, MONDO:0020066.
Inborn genetic diseases. Identifiers: MedGen C0950123, MeSH D030342.
Ehlers-Danlos syndrome, spondylodysplastic type, 3. Also called: Ehlers-Danlos syndrome, spondylocheirodysplastic type. Identifiers: Orphanet 157965, MedGen C2676510, MONDO:0012873, OMIM 612350.

Allele frequency attached by ClinVar (database versions not stated): gnomAD 0.00003; TOPMed 0.00003.

Submissions (3):

Ambry Genetics
Classification: Uncertain significance for Inborn genetic diseases. Last evaluated: 2025-02-01. Review status: criteria provided, single submitter. Criteria: Ambry Variant Classification Scheme 2023. Collection method: clinical testing. Allele origin: germline.

Labcorp Genetics (formerly Invitae), Labcorp
Classification: Uncertain significance for Ehlers-Danlos syndrome, spondylodysplastic type, 3. Last evaluated: 2022-07-04. Review status: criteria provided, single submitter. Criteria: Invitae Variant Classification Sherloc (09022015). Collection method: clinical testing. Allele origin: germline.
Comment: This sequence change replaces arginine, which is basic and polar, with cysteine, which is neutral and slightly polar, at codon 47 of the SLC39A13 protein (p.Arg47Cys). This variant is present in population databases (rs766701277, gnomAD 0.004%). This variant has not been reported in the literature in individuals affected with SLC39A13-related conditions. ClinVar contains an entry for this variant (Variation ID: 663097). Algorithms developed to predict the effect of missense changes on protein structure and function are either unavailable or do not agree on the potential impact of this missense change (SIFT: "Deleterious"; PolyPhen-2: "Probably Damaging"; Align-GVGD: "Class C0"). In summary, the available evidence is currently insufficient to determine the role of this variant in disease. Therefore, it has been classified as a Variant of Uncertain Significance.

Genome Diagnostics Laboratory, The Hospital for Sick Children
Classification: Uncertain significance for Ehlers-Danlos syndrome. Last evaluated: 2019-12-01. Review status: criteria provided, single submitter. Criteria: ACMG Guidelines, 2015. Collection method: clinical testing. Allele origin: germline.

NM_001128225.3(SLC39A13):c.139C>T (p.Arg47Cys)

Gene: SLC39A13 (solute carrier family 39 member 13; plus strand). Cytogenetic location: 11p11.2.
Variant type: single nucleotide variant.
Coding change: c.139C>T on transcript NM_001128225.3 (MANE Select); coding-DNA position 139, C replaced by T.
Protein change: p.Arg47Cys; replaces arginine 47 with cysteine.
Molecular consequence: missense variant. On other transcripts: non-coding transcript variant (1).
Genome position (GRCh38, 1-based): chr11:47,410,233, C>T. VCF-style: chr11-47410233-C-T. GRCh37 (hg19) VCF-style: chr11-47431784-C-T.
Other names: c.139C>T, p.Arg47Cys (NM_001330245.2, NM_152264.5); short protein forms R47C.
Identifiers: ClinVar variation 663097 (VCV000663097.10), dbSNP rs766701277, ClinGen allele CA5975675.